The following is an entry in ClinVar:

ClinVar aggregate classification (germline): Likely pathogenic (1 of 4 stars; one submission).

Conditions:
Hypertrophic cardiomyopathy 1 (CMH1). Also called: Familial hypertrophic cardiomyopathy 1; MYH7-Related Familial Hypertrophic Cardiomyopathy. Identifiers: MedGen C3495498, MONDO:0008647, OMIM 192600.

Submission:

Molecular Genetics Laboratory, Motol Hospital
Classification: Likely pathogenic for Hypertrophic cardiomyopathy 1. Last evaluated: 2026-06-04. Review status: criteria provided, single submitter. Criteria: ACMG Guidelines, 2015. Collection method: clinical testing. Allele origin: germline. Affected: yes. Observed: 1 variant allele.
Comment: A rare variant not present in non-Finnish European population (gnomAD v4.1.1) (PM2). Rare missense variants in the MYH7 gene are associated with autosomal dominant hypertrophic cardiomyopathy (PP2). The variant is located in the mutation hotspot in the exon 18 of the MYH7 gene (PM1, PP3). The variant c.2021T>C is classified as likely pathogenic.

Literature cited by the submitters: PubMed 36007715; PubMed 39448255.

NM_000257.4(MYH7):c.2021T>C (p.Ile674Thr)

Gene: MYH7 (myosin heavy chain 7; minus strand). Cytogenetic location: 14q11.2.
Variant type: single nucleotide variant.
Coding change: c.2021T>C on transcript NM_000257.4 (MANE Select); coding-DNA position 2021, T replaced by C.
Protein change: p.Ile674Thr; replaces isoleucine 674 with threonine.
Molecular consequence: missense variant.
Genome position (GRCh38, 1-based): chr14:23,426,800, A>G on the plus strand (T>C on the coding strand, the complement: MYH7 is on the minus strand). VCF-style: chr14-23426800-A-G. GRCh37 (hg19) VCF-style: chr14-23896009-A-G.
Other names: c.2021T>C, p.Ile674Thr (NM_001407004.1); short protein forms I674T.
Identifiers: ClinVar variation 4856610 (VCV004856610.1).